The following is an entry in ClinVar:

NM_001042492.3(NF1):c.5376C>A (p.Cys1792Ter)

Gene: NF1 (neurofibromin 1; plus strand). Cytogenetic location: 17q11.2.
Variant type: single nucleotide variant.
Coding change: c.5376C>A on transcript NM_001042492.3 (MANE Select); coding-DNA position 5376, C replaced by A.
Protein change: p.Cys1792Ter; replaces cysteine 1792 with a stop codon.
Molecular consequence: nonsense.
Genome position (GRCh38, 1-based): chr17:31,327,606, C>A. VCF-style: chr17-31327606-C-A. GRCh37 (hg19) VCF-style: chr17-29654624-C-A.
Other names: c.5313C>A, p.Cys1771Ter (NM_000267.4); short protein forms C1771*, C1792*.
Identifiers: ClinVar variation 825640 (VCV000825640.5), dbSNP rs1597832002, ClinGen allele CA399009301.

ClinVar aggregate classification (germline): Pathogenic/Likely pathogenic. Review status: criteria provided, multiple submitters, no conflicts (2 of 4 stars). 2 submissions from 2 submitters: Pathogenic (1); Likely pathogenic (1). Last evaluated 2022-06-06.

Conditions:
Hereditary cancer-predisposing syndrome. Also called: Neoplastic Syndromes, Hereditary; Hereditary Cancer Syndrome; Hereditary neoplastic syndrome; Tumor predisposition. Identifiers: Orphanet 140162, MedGen C0027672, MeSH D009386, MONDO:0015356.
Cardiovascular phenotype. Identifiers: MedGen CN230736.
Neurofibromatosis, type 1 (NF1). Also called: Neurofibromatosis, type I; Peripheral type neurofibromatosis; VON RECKLINGHAUSEN DISEASE; NEUROFIBROMATOSIS, TYPE I, SOMATIC. Identifiers: Orphanet 636, MedGen C0027831, MONDO:0018975, OMIM 162200. Disease mechanism: loss of function.

Submissions (2):

Women's Health and Genetics/Laboratory Corporation of America, LabCorp
Classification: Likely pathogenic for Neurofibromatosis, type 1. Last evaluated: 2022-06-06. Review status: criteria provided, single submitter. Criteria: LabCorp Variant Classification Summary - May 2015. Collection method: clinical testing. Allele origin: germline.
Comment: Variant summary: NF1 c.5313C>A (p.Cys1771X) results in a premature termination codon, predicted to cause a truncation of the encoded protein or absence of the protein due to nonsense mediated decay, which are commonly known mechanisms for disease. Truncations downstream of this position have been classified as pathogenic by our laboratory. The variant was absent in 251404 control chromosomes. To our knowledge, no occurrence of c.5313C>A in individuals affected with Neurofibromatosis Type 1 and no experimental evidence demonstrating its impact on protein function have been reported. One clinical diagnostic laboratory has submitted clinical-significance assessments for this variant to ClinVar after 2014 without evidence for independent evaluation and classified the variant as pathogenic. Based on the evidence outlined above, the variant was classified as likely pathogenic.

Ambry Genetics
Classification: Pathogenic for Cardiovascular phenotype; Hereditary cancer-predisposing syndrome. Last evaluated: 2019-03-28. Review status: criteria provided, single submitter. Criteria: Ambry Variant Classification Scheme 2023. Collection method: clinical testing. Allele origin: germline.
Comment: The p.C1771* pathogenic mutation (also known as c.5313C>A), located in coding exon 37 of the NF1 gene, results from a C to A substitution at nucleotide position 5313. This changes the amino acid from a cysteine to a stop codon within coding exon 37. In addition to the clinical data presented in the literature, this alteration is expected to result in loss of function by premature protein truncation or nonsense-mediated mRNA decay. As such, this alteration is interpreted as a disease-causing mutation.